The following is an entry in ClinVar:

NM_005751.5(AKAP9):c.3826C>T (p.Arg1276Ter)

Gene: AKAP9 (A-kinase anchoring protein 9; plus strand). Cytogenetic location: 7q21.2.
Variant type: single nucleotide variant.
Coding change: c.3826C>T on transcript NM_005751.5 (MANE Select); coding-DNA position 3826, C replaced by T.
Protein change: p.Arg1276Ter; replaces arginine 1276 with a stop codon.
Molecular consequence: nonsense.
Genome position (GRCh38, 1-based): chr7:92,017,091, C>T. VCF-style: chr7-92017091-C-T. GRCh37 (hg19) VCF-style: chr7-91646405-C-T.
Other names: c.3826C>T, p.Arg1276Ter (NM_147185.3); short protein forms R1276*.
Identifiers: ClinVar variation 2417160 (VCV002417160.5), dbSNP rs1801617295, ClinGen allele CA368127328.

ClinVar aggregate classification (germline): Uncertain significance (1 of 4 stars; one submission).

Conditions:
Long QT syndrome (LQTS). Identifiers: MedGen C0023976, MeSH D008133, MONDO:0002442. Disease mechanism: loss of function. Inheritance: Various modes of inheritance.

Allele frequency attached by ClinVar (database versions not stated): TOPMed below 0.00001.
gnomAD v4.1: 1 of 1,573,494 alleles (0.000064%); highest among the groups gnomAD compares: Non-Finnish European, 0.000087%; no homozygotes.

Submission:

Labcorp Genetics (formerly Invitae), Labcorp
Classification: Uncertain significance for Long QT syndrome. Last evaluated: 2022-07-20. Review status: criteria provided, single submitter. Criteria: Invitae Variant Classification Sherloc (09022015). Collection method: clinical testing. Allele origin: germline.
Comment: In summary, the available evidence is currently insufficient to determine the role of this variant in disease. Therefore, it has been classified as a Variant of Uncertain Significance. This variant has not been reported in the literature in individuals affected with AKAP9-related conditions. This variant is not present in population databases (gnomAD no frequency). This sequence change creates a premature translational stop signal (p.Arg1276*) in the AKAP9 gene. It is expected to result in an absent or disrupted protein product. However, the current clinical and genetic evidence is not sufficient to establish whether loss-of-function variants in AKAP9 cause disease.